The following is an entry in ClinVar:

ClinVar aggregate classification (germline): Uncertain significance (1 of 4 stars; one submission).

Conditions:
Mosaic variegated aneuploidy syndrome 1 (MVA1). Also called: Warburton-Anyane-Yeboa syndrome. Identifiers: Orphanet 1052, MedGen C1850343, MONDO:0009759, OMIM 257300.

gnomAD v4.1: 1 of 1,614,208 alleles (0.000062%); highest among the groups gnomAD compares: Non-Finnish European, 0.000085%; no homozygotes.

Submission:

Labcorp Genetics (formerly Invitae), Labcorp
Classification: Uncertain significance for Mosaic variegated aneuploidy syndrome 1. Last evaluated: 2021-06-02. Review status: criteria provided, single submitter. Criteria: Invitae Variant Classification Sherloc (09022015). Collection method: clinical testing. Allele origin: germline.
Comment: This sequence change replaces leucine with phenylalanine at codon 1035 of the BUB1B protein (p.Leu1035Phe). The leucine residue is weakly conserved and there is a small physicochemical difference between leucine and phenylalanine. This variant is not present in population databases (ExAC no frequency). This variant has not been reported in the literature in individuals with BUB1B-related conditions. Algorithms developed to predict the effect of missense changes on protein structure and function output the following: SIFT: "Tolerated"; PolyPhen-2: "Benign"; Align-GVGD: "Class C0". The phenylalanine amino acid residue is found in multiple mammalian species, suggesting that this missense change does not adversely affect protein function. These predictions have not been confirmed by published functional studies and their clinical significance is uncertain. In summary, the available evidence is currently insufficient to determine the role of this variant in disease. Therefore, it has been classified as a Variant of Uncertain Significance.

NM_001211.6(BUB1B):c.3105A>C (p.Leu1035Phe)

Genes: BUB1B (BUB1 mitotic checkpoint serine/threonine kinase B; plus strand), BUB1B-PAK6 (BUB1B-PAK6 readthrough; plus strand). Cytogenetic location: 15q15.1.
Variant type: single nucleotide variant.
Coding change: c.3105A>C on transcript NM_001211.6 (MANE Select); coding-DNA position 3105, A replaced by C.
Protein change: p.Leu1035Phe; replaces leucine 1035 with phenylalanine.
Molecular consequence: missense variant. On other transcripts: intron variant (2).
Genome position (GRCh38, 1-based): chr15:40,220,711, A>C. VCF-style: chr15-40220711-A-C. GRCh37 (hg19) VCF-style: chr15-40512912-A-C.
Other names: c.-201+3044A>C (NM_001128628.3); c.-118+3044A>C (NM_001128629.3); short protein forms L1035F.
Identifiers: ClinVar variation 1356587 (VCV001356587.8), dbSNP rs576684184, ClinGen allele CA391690346.